The following is an entry in ClinVar:

NM_004990.4(MARS1):c.109+18G>C

Genes: ARHGAP9 (Rho GTPase activating protein 9; minus strand), MARS1 (methionyl-tRNA synthetase 1; plus strand). Cytogenetic location: 12q13.3.
Variant type: single nucleotide variant.
Coding change: c.109+18G>C on transcript NM_004990.4 (MANE Select); 18 bases into the intron after coding-DNA position 109, G replaced by C.
Molecular consequence: intron variant.
Genome position (GRCh38, 1-based): chr12:57,488,217, G>C. VCF-style: chr12-57488217-G-C. GRCh37 (hg19) VCF-style: chr12-57882000-G-C.
Other names: c.-204+395C>G (NM_001319850.2).
Identifiers: ClinVar variation 509988 (VCV000509988.11), dbSNP rs372722438, ClinGen allele CA6650026.

ClinVar aggregate classification (germline): Benign/Likely benign. Review status: criteria provided, multiple submitters, no conflicts (2 of 4 stars). 3 submissions from 3 submitters: Benign (1); Likely benign (2). Last evaluated 2026-01-29.

Conditions:
Severe early-onset pulmonary alveolar proteinosis due to MARS deficiency. Also called: PULMONARY ALVEOLAR PROTEINOSIS, REUNION ISLAND; Interstitial lung and liver disease. Identifiers: Orphanet 440427, MedGen C4225400, MONDO:0014206, OMIM 615486.
Charcot-Marie-Tooth disease axonal type 2U. Also called: CHARCOT-MARIE-TOOTH NEUROPATHY, TYPE 2U; CHARCOT-MARIE-TOOTH DISEASE, AXONAL, AUTOSOMAL DOMINANT, TYPE 2U. Identifiers: Orphanet 397735, MedGen C4084821, MONDO:0014566, OMIM 616280.

Allele frequency attached by ClinVar (database versions not stated): gnomAD exomes 0.00064; TOPMed 0.00029; ESP Exome Variant Server 0.00046; gnomAD 0.00028 and 0.00031; ExAC 0.00059.
gnomAD v4.1: 565 of 1,600,502 alleles (0.035%); highest among the groups gnomAD compares: Middle Eastern, 0.1%; 2 homozygotes.

Submissions (3):

Labcorp Genetics (formerly Invitae), Labcorp
Classification: Benign for Charcot-Marie-Tooth disease axonal type 2U; Severe early-onset pulmonary alveolar proteinosis due to MARS deficiency. Last evaluated: 2026-01-29. Review status: criteria provided, single submitter. Criteria: Invitae Variant Classification Sherloc (09022015). Collection method: clinical testing. Allele origin: germline.

Blueprint Genetics
Classification: Likely benign. Last evaluated: 2024-11-27. Review status: criteria provided, single submitter. Criteria: ACMG Guidelines, 2015. Collection method: clinical testing. Allele origin: germline.

GeneDx
Classification: Likely benign. Last evaluated: 2017-07-21. Review status: criteria provided, single submitter. Criteria: GeneDx Variant Classification (06012015). Collection method: clinical testing. Allele origin: germline. Affected: yes.
Comment: This variant is considered likely benign or benign based on one or more of the following criteria: it is a conservative change, it occurs at a poorly conserved position in the protein, it is predicted to be benign by multiple in silico algorithms, and/or has population frequency not consistent with disease.